The following is an entry in ClinVar:

ClinVar aggregate classification (germline): Uncertain significance. Review status: criteria provided, multiple submitters, no conflicts (2 of 4 stars). 3 submissions from 3 submitters: Uncertain significance (3). Last evaluated 2024-10-15.

Conditions:
Age related macular degeneration 1 (ARMD1). Also called: MACULOPATHY, AGE-RELATED, 1. Identifiers: MedGen C1864205, MONDO:0011285, OMIM 603075.

Allele frequency attached by ClinVar (database versions not stated): gnomAD 0.00001 and 0.00002; gnomAD exomes 0.00001 and 0.00002; ExAC 0.00002; TOPMed 0.00003; ESP Exome Variant Server 0.00008.
gnomAD v4.1: 23 of 1,613,480 alleles (0.0014%); highest among the groups gnomAD compares: Middle Eastern, 0.016%; no homozygotes.

Submissions (3):

Labcorp Genetics (formerly Invitae), Labcorp
Classification: Uncertain significance. Last evaluated: 2024-10-15. Review status: criteria provided, single submitter. Criteria: Invitae Variant Classification Sherloc (09022015). Collection method: clinical testing. Allele origin: germline.
Comment: This sequence change replaces valine, which is neutral and non-polar, with isoleucine, which is neutral and non-polar, at codon 286 of the HMCN1 protein (p.Val286Ile). This variant is present in population databases (rs376875658, gnomAD 0.01%). This variant has not been reported in the literature in individuals affected with HMCN1-related conditions. ClinVar contains an entry for this variant (Variation ID: 1502883). An algorithm developed to predict the effect of missense changes on protein structure and function (PolyPhen-2) suggests that this variant is likely to be disruptive. In summary, the available evidence is currently insufficient to determine the role of this variant in disease. Therefore, it has been classified as a Variant of Uncertain Significance.

Genome-Nilou Lab
Classification: Uncertain significance for Age related macular degeneration 1. Last evaluated: 2023-04-11. Review status: criteria provided, single submitter. Criteria: ACMG Guidelines, 2015. Collection method: clinical testing. Allele origin: germline. Affected: no.

Ambry Genetics
Classification: Uncertain significance. Last evaluated: 2022-02-03. Review status: criteria provided, single submitter. Criteria: Ambry Variant Classification Scheme 2023. Collection method: clinical testing. Allele origin: germline.

NM_031935.3(HMCN1):c.856G>A (p.Val286Ile)

Gene: HMCN1 (hemicentin 1; plus strand). Cytogenetic location: 1q31.1.
Variant type: single nucleotide variant.
Coding change: c.856G>A on transcript NM_031935.3 (MANE Select); coding-DNA position 856, G replaced by A.
Protein change: p.Val286Ile; replaces valine 286 with isoleucine.
Molecular consequence: missense variant.
Genome position (GRCh38, 1-based): chr1:185,911,736, G>A. VCF-style: chr1-185911736-G-A. GRCh37 (hg19) VCF-style: chr1-185880868-G-A.
Other names: c.856G>A (NM_031935.2); short protein forms V286I.
Identifiers: ClinVar variation 1502883 (VCV001502883.8), dbSNP rs376875658, ClinGen allele CA1290967.